The following is an entry in ClinVar:

ClinVar aggregate classification (germline): Pathogenic (1 of 4 stars; one submission).

Conditions:
Leber congenital amaurosis 3 (LCA3). Also called: SPATA7-Related Retinitis Pigmentosa. Identifiers: MedGen C1858677, MONDO:0011415, OMIM 604232.

gnomAD v4.1: 1 of 1,611,960 alleles (0.000062%); highest among the groups gnomAD compares: African/African-American, 0.0013%; no homozygotes.

Submission:

Labcorp Genetics (formerly Invitae), Labcorp
Classification: Pathogenic for Leber congenital amaurosis 3. Last evaluated: 2025-03-30. Review status: criteria provided, single submitter. Criteria: Invitae Variant Classification Sherloc (09022015). Collection method: clinical testing. Allele origin: germline.
Comment: This sequence change creates a premature translational stop signal (p.Glu315*) in the SPATA7 gene. It is expected to result in an absent or disrupted protein product. Loss-of-function variants in SPATA7 are known to be pathogenic (PMID: 19268277, 22334370, 23847139, 26047050, 26261414). This variant is not present in population databases (gnomAD no frequency). This variant has not been reported in the literature in individuals affected with SPATA7-related conditions. For these reasons, this variant has been classified as Pathogenic.

Literature cited by the submitters: PubMed 19268277; PubMed 22334370; PubMed 23847139; PubMed 26047050; PubMed 26261414.

NM_018418.5(SPATA7):c.943G>T (p.Glu315Ter)

Gene: SPATA7 (spermatogenesis associated 7; plus strand). Cytogenetic location: 14q31.3.
Variant type: single nucleotide variant.
Coding change: c.943G>T on transcript NM_018418.5 (MANE Select); coding-DNA position 943, G replaced by T.
Protein change: p.Glu315Ter; replaces glutamic acid 315 with a stop codon.
Molecular consequence: nonsense.
Genome position (GRCh38, 1-based): chr14:88,429,378, G>T. VCF-style: chr14-88429378-G-T. GRCh37 (hg19) VCF-style: chr14-88895722-G-T.
Other names: c.847G>T, p.Glu283Ter (NM_001040428.4); short protein forms E283*, E315*.
Identifiers: ClinVar variation 4784537 (VCV004784537.1).